The following is an entry in ClinVar:

ClinVar aggregate classification (germline): Benign (1 of 4 stars; one submission).

Submission:

ISCA site 4
Classification: Benign. Last evaluated: 2017-09-01. Review status: criteria provided, single submitter. Criteria: Kaminsky et al. (Genet Med. 2011). Collection method: clinical testing. Allele origin: unknown. Affected: yes. Observed: 1 variant allele.
Comment: Copy number variation identified through the course of routine clinical cytogenomic testing in postnatal populations. Clinical assertions have been curated as described in Kaminsky et al. 2011.

GRCh38/hg38 17q21.31(chr17:46061147-46661960)x1

Genes: ARL17A (ADP ribosylation factor like GTPase 17A; minus strand), ARL17B (ADP ribosylation factor like GTPase 17B; minus strand), FAM215B (family with sequence similarity 215 member B; minus strand), KANSL1 (KAT8 regulatory NSL complex subunit 1), KANSL1-AS1 (KANSL1 antisense RNA 1) and 6 more. Cytogenetic location: 17q21.31.
Variant type: copy number loss.
Change: copy number 1 (one copy instead of two) of chr17:46,061,147-46,661,960 (600.8 kb, GRCh38 coordinates, 1-based), cytogenetic band 17q21.31.
Identifiers: ClinVar variation 57467 (VCV000057467.2).